The following is an entry in ClinVar:

NM_001165963.4(SCN1A):c.2590-2A>G

Gene: SCN1A (sodium voltage-gated channel alpha subunit 1; minus strand). Cytogenetic location: 2q24.3.
Variant type: single nucleotide variant.
Coding change: c.2590-2A>G on transcript NM_001165963.4 (MANE Select); the canonical splice acceptor site of the intron before coding-DNA position 2590, A replaced by G.
Molecular consequence: splice acceptor variant.
Genome position (GRCh38, 1-based): chr2:166,038,134, T>C on the plus strand (A>G on the coding strand, the complement: SCN1A is on the minus strand). VCF-style: chr2-166038134-T-C. GRCh37 (hg19) VCF-style: chr2-166894644-T-C.
Other names: c.2557-2A>G (NM_001353949.2, NM_001353950.2, NM_001353951.2 and 2 more transcripts); c.2506-2A>G (NM_001353958.2, NM_001353957.2, NM_001165964.3); c.2590-2A>G (NM_001202435.3, NM_001353948.2); c.2554-2A>G (NM_001353955.2, NM_001353954.2); c.2503-2A>G (NM_001353960.2); c.148-2A>G (NM_001353961.2).
Identifiers: ClinVar variation 167643 (VCV000167643.16), dbSNP rs727504140, ClinGen allele CA273372.

ClinVar aggregate classification (germline): Pathogenic. Review status: criteria provided, multiple submitters, no conflicts (2 of 4 stars). 2 submissions from 2 submitters: Pathogenic (2). Last evaluated 2020-01-23.

Conditions:
Early-infantile DEE. Also called: Early infantile epileptic encephalopathy; Ohtahara syndrome; Early infantile epileptic encephalopathy with suppression bursts. Identifiers: Orphanet 1934, MedGen C0393706, MONDO:0800491.

Submissions (2):

Labcorp Genetics (formerly Invitae), Labcorp
Classification: Pathogenic for Early-infantile DEE. Last evaluated: 2020-01-23. Review status: criteria provided, single submitter. Criteria: Invitae Variant Classification Sherloc (09022015). Collection method: clinical testing. Allele origin: germline.
Comment: This variant is not present in population databases (ExAC no frequency). This variant has been observed in individual(s) with Dravet syndrome (Invitae). ClinVar contains an entry for this variant (Variation ID: 167643). Algorithms developed to predict the effect of sequence changes on RNA splicing suggest that this variant may disrupt the consensus splice site, but this prediction has not been confirmed by published transcriptional studies. Donor and acceptor splice site variants typically lead to a loss of protein function (PMID: 16199547), and loss-of-function variants in SCN1A are known to be pathogenic (PMID: 17347258, 18930999). For these reasons, this variant has been classified as Pathogenic. This sequence change affects an acceptor splice site in intron 14 of the SCN1A gene. It is expected to disrupt RNA splicing and likely results in an absent or disrupted protein product.

Eurofins Ntd Llc (ga)
Classification: Pathogenic. Last evaluated: 2014-04-29. Review status: criteria provided, single submitter. Criteria: EGL Classification Definitions 2015. Collection method: clinical testing. Allele origin: germline. Observed: 2 variant alleles, 2 heterozygotes.

Literature cited by the submitters: PubMed 16199547 (cited by Labcorp Genetics (formerly Invitae), Labcorp); PubMed 17347258 (cited by Labcorp Genetics (formerly Invitae), Labcorp); PubMed 18930999 (cited by Labcorp Genetics (formerly Invitae), Labcorp).